The following is an entry in ClinVar:

NM_007294.4(BRCA1):c.3624dup (p.Leu1209fs)

Genes: BRCA1 (BRCA1 DNA repair associated; minus strand), LOC126862571 (BRD4-independent group 4 enhancer GRCh37_chr17:41243136-41244335; plus strand). Cytogenetic location: 17q21.31.
Variant type: Duplication.
Coding change: c.3624dup on transcript NM_007294.4 (MANE Select); coding-DNA position 3624, one base duplicated (A; older notation c.3624dupA).
Protein change: p.Leu1209fs; shifts the reading frame from leucine 1209.
Molecular consequence: frameshift variant. On other transcripts: intron variant (135).
Genome position (GRCh38, 1-based): chr17:43,091,907, T duplicated on the plus strand (A on the coding strand, the reverse complement: BRCA1 is on the minus strand); the first of 3 consecutive T bases (chr17:43,091,907-43,091,909); duplicating any one gives the same sequence. VCF-style (leftmost placement, unchanged base first): chr17-43091906-A-AT. GRCh37 (hg19) VCF-style: chr17-41243923-A-AT.
Other names: 3741insA; c.3411dup, p.Leu1138fs (NM_001407571.1, NM_001407853.1, NM_001407894.1 and 9 more transcripts); c.3624dup, p.Leu1209fs (NM_001407581.1, NM_001407582.1, NM_001407583.1 and 30 more transcripts); c.3621dup, p.Leu1208fs (NM_001407587.1, NM_001407590.1, NM_001407591.1 and 22 more transcripts); c.3546dup, p.Leu1183fs (NM_001407657.1, NM_001407658.1, NM_001407663.1 and 4 more transcripts); c.3543dup, p.Leu1182fs (NM_001407659.1, NM_001407660.1, NM_001407661.1 and 1 more transcripts); c.3501dup, p.Leu1168fs (NM_001407664.1, NM_001407675.1, NM_001407676.1 and 19 more transcripts); c.3483dup, p.Leu1162fs (NM_001407694.1, NM_001407695.1, NM_001407696.1 and 29 more transcripts); and 43 more; short protein forms L1162fs, L1209fs, L1081fs, L1141fs, L1142fs, L1206fs, L1208fs, L1120fs.
Identifiers: ClinVar variation 54941 (VCV000054941.13), dbSNP rs80357512, ClinGen allele CA268116.

ClinVar aggregate classification (germline): Pathogenic. Review status: reviewed by expert panel (3 of 4 stars). 6 submissions from 6 submitters: Pathogenic (1). 5 of the submissions do not count toward it. Last evaluated 2016-09-08.

Conditions:
Breast-ovarian cancer, familial, susceptibility to, 1 (BROVCA1). Also called: BRCA1 Hereditary Breast and Ovarian Cancer; OVARIAN CANCER, SUSCEPTIBILITY TO. Identifiers: Orphanet 145, MedGen C2676676, MONDO:0011450, OMIM 604370. Disease mechanism: loss of function.
Hereditary cancer-predisposing syndrome. Also called: Hereditary Cancer Syndrome; Hereditary neoplastic syndrome; Neoplastic Syndromes, Hereditary; Tumor predisposition. Identifiers: Orphanet 140162, MedGen C0027672, MeSH D009386, MONDO:0015356.
Hereditary breast ovarian cancer syndrome. Also called: BRCA1- and BRCA2-Associated Hereditary Breast and Ovarian Cancer; Hereditary breast and ovarian cancer syndrome; Hereditary breast and ovarian cancer syndrome (HBOC); Breast and ovarian cancer; Hereditary breast and/or ovarian cancer syndrome; Hereditary breast and ovarian cancer. Identifiers: Orphanet 145, MedGen C0677776, MeSH D061325, MONDO:0003582. Disease mechanism: loss of function.

Submissions (6):

Evidence-based Network for the Interpretation of Germline Mutant Alleles (ENIGMA)
Classification: Pathogenic for Breast-ovarian cancer, familial, susceptibility to, 1. Last evaluated: 2016-09-08. Review status: reviewed by expert panel. Criteria: ENIGMA BRCA1/2 Classification Criteria (2015). Collection method: curation. Allele origin: germline.
Comment: Variant allele predicted to encode a truncated non-functional protein.

Labcorp Genetics (formerly Invitae), Labcorp
Classification: Pathogenic for Hereditary breast ovarian cancer syndrome. Last evaluated: 2024-01-07. Review status: criteria provided, single submitter. Criteria: Invitae Variant Classification Sherloc (09022015). Collection method: clinical testing. Allele origin: germline. Not counted in ClinVar's aggregate classification.
Comment: This sequence change creates a premature translational stop signal (p.Leu1209Ilefs*10) in the BRCA1 gene. It is expected to result in an absent or disrupted protein product. Loss-of-function variants in BRCA1 are known to be pathogenic (PMID: 20104584). This variant is not present in population databases (gnomAD no frequency). This premature translational stop signal has been observed in individual(s) with BRCA1-related conditions (PMID: 10980541). This variant is also known as 3741insA, ter 1218. ClinVar contains an entry for this variant (Variation ID: 54941). For these reasons, this variant has been classified as Pathogenic.

Color Diagnostics, LLC DBA Color Health
Classification: Pathogenic for Hereditary cancer-predisposing syndrome. Last evaluated: 2022-07-11. Review status: criteria provided, single submitter. Criteria: ACMG Guidelines, 2015. Collection method: clinical testing. Allele origin: germline. Not counted in ClinVar's aggregate classification.
Comment: This variant inserts 1 nucleotide in exon 10 of the BRCA1 gene, creating a frameshift and premature translation stop signal. This variant is expected to result in an absent or non-functional protein product. This variant is also known as 3741insA in the literature. This variant has been reported in more than 5 individuals affected with breast and/or ovarian cancer (PMID: 30713775, 32658311; BIC database accession number 2745; Color internal data). This variant has also been reported in families affected with suspected hereditary breast and ovarian cancer syndrome and in 3 families among the CIMBA participants (PMID: 11802209, 29446198, 31851867). This variant has not been identified in the general population by the Genome Aggregation Database (gnomAD). Loss of BRCA1 function is a known mechanism of disease. Based on the available evidence, this variant is classified as Pathogenic.

GeneKor MSA
Classification: Pathogenic for Hereditary breast and ovarian cancer syndrome. Last evaluated: 2020-01-01. Review status: criteria provided, single submitter. Criteria: ACMG Guidelines, 2015. Collection method: clinical testing. Allele origin: germline. Affected: yes. Not counted in ClinVar's aggregate classification.
Comment: This sequence change inserts one nucleotide in exon 10 of the BRCA1 mRNA (c.3624dupA), causing a frameshift at codon 1209. This creates a premature translational stop signal 10 amino acid residues later and is expected to result in an absent or disrupted protein product. Truncating variants in BRCA1 are known to be pathogenic. The mutation database ClinVar contains entries for this variant (Variation ID: 54941).

Consortium of Investigators of Modifiers of BRCA1/2 (CIMBA), c/o University of Cambridge
Classification: Pathogenic for Breast-ovarian cancer, familial, susceptibility to, 1. Last evaluated: 2015-10-02. Review status: criteria provided, single submitter. Criteria: CIMBA Mutation Classification guidelines May 2016. Collection method: clinical testing. Allele origin: germline. Not counted in ClinVar's aggregate classification.

Breast Cancer Information Core (BIC) (BRCA1)
Classification: Pathogenic for Breast-ovarian cancer, familial 1. Last evaluated: 2002-05-29. Review status: no assertion criteria provided. Collection method: clinical testing. Allele origin: germline. Affected: yes. Observed: 2 variant alleles. Not counted in ClinVar's aggregate classification.

Literature cited by the submitters: PubMed 20104584 (cited by Labcorp Genetics (formerly Invitae), Labcorp); PubMed 10980541 (cited by Labcorp Genetics (formerly Invitae), Labcorp); PubMed 11802209 (cited by Color Diagnostics, LLC DBA Color Health); PubMed 29446198 (cited by Color Diagnostics, LLC DBA Color Health); PubMed 30713775 (cited by Color Diagnostics, LLC DBA Color Health); PubMed 31851867 (cited by Color Diagnostics, LLC DBA Color Health); PubMed 32658311 (cited by Color Diagnostics, LLC DBA Color Health); Konstantopoulou et al, Hu Mut 2000 (cited by Breast Cancer Information Core (BIC) (BRCA1)).